The following is an entry in ClinVar:

NM_000535.7(PMS2):c.126A>G (p.Leu42=)

Gene: PMS2 (PMS1 homolog 2, mismatch repair system component; minus strand). Cytogenetic location: 7p22.1.
Variant type: single nucleotide variant.
Coding change: c.126A>G on transcript NM_000535.7 (MANE Select); coding-DNA position 126, A replaced by G.
Protein change: p.Leu42=; no amino-acid change (leucine 42 retained).
Molecular consequence: synonymous variant. On other transcripts: 5 prime UTR variant (38), non-coding transcript variant (1), intron variant (7).
Genome position (GRCh38, 1-based): chr7:6,005,929, T>C on the plus strand (A>G on the coding strand, the complement: PMS2 is on the minus strand). VCF-style: chr7-6005929-T-C. GRCh37 (hg19) VCF-style: chr7-6045560-T-C.
Other names: c.-280A>G (NM_001406897.1, NM_001406898.1, NM_001406905.1 and 10 more transcripts); c.-227A>G (NM_001406899.1, NM_001406904.1, NM_001406907.1 and 5 more transcripts); c.-256A>G (NM_001406900.1); c.-90A>G (NM_001406901.1, NM_001406903.1, NM_001406902.1 and 4 more transcripts); c.126A>G, p.Leu42= (NM_001322006.2, NM_001322014.2, NM_001406868.1 and 10 more transcripts); c.-759A>G (NM_001322011.2, NM_001322012.2); c.-359A>G (NM_001322015.2, NM_001406875.1, NM_001406877.1 and 2 more transcripts); c.312A>G, p.Leu104= (NM_001406866.1); and 7 more.
Identifiers: ClinVar variation 3421542 (VCV003421542.4).
Genomic context (GRCh38, chr7:6,005,929, plus strand): 5'-GCTTAAAACTCTCCCAAACTTACCAATATTAGTGGCACCAGCATCCAGACTGTTTTCTAC[T>C]AACTCCTTTACCGCAGTGCTTAGACTCAGTACCACCTGCCCAGAGCAAATCTGATGGACT-3'
Protein context (NP_000526.2, residues 32-52): VLSLSTAVKE[Leu42=]VENSLDAGAT

ClinVar aggregate classification (germline): Benign/Likely benign. Review status: criteria provided, multiple submitters, no conflicts (2 of 4 stars). 3 submissions from 3 submitters: Benign (1); Likely benign (2). Last evaluated 2025-02-19.

Conditions:
Hereditary nonpolyposis colorectal neoplasms. Identifiers: MedGen C0009405, MeSH D003123.
Hereditary cancer-predisposing syndrome. Also called: Neoplastic Syndromes, Hereditary; Tumor predisposition; Hereditary Cancer Syndrome; Hereditary neoplastic syndrome. Identifiers: Orphanet 140162, MedGen C0027672, MeSH D009386, MONDO:0015356.
Lynch syndrome 4 (LYNCH4). Also called: Colorectal cancer, hereditary nonpolyposis, type 4; Hereditary non-polyposis colorectal cancer, type 4. Identifiers: Orphanet 144, MedGen C1838333, MONDO:0013699, OMIM 614337. Disease mechanism: loss of function.

Submissions (3):

Labcorp Genetics (formerly Invitae), Labcorp
Classification: Likely benign for Hereditary nonpolyposis colorectal neoplasms. Last evaluated: 2025-02-19. Review status: criteria provided, single submitter. Criteria: Invitae Variant Classification Sherloc (09022015). Collection method: clinical testing. Allele origin: germline.

Myriad Genetics, Inc.
Classification: Benign for Lynch syndrome 4. Last evaluated: 2025-01-23. Review status: criteria provided, single submitter. Criteria: Myriad Autosomal Dominant, Autosomal Recessive and X-Linked Classification Criteria (2023). Collection method: clinical testing. Allele origin: unknown.
Comment: This variant is considered benign. This variant is a silent/synonymous amino acid change and it is not expected to impact splicing.

Ambry Genetics
Classification: Likely benign for Hereditary cancer-predisposing syndrome. Last evaluated: 2024-12-03. Review status: criteria provided, single submitter. Criteria: Ambry Variant Classification Scheme 2023. Collection method: clinical testing. Allele origin: germline.